The following is an entry in ClinVar:

NM_024408.4(NOTCH2):c.5578A>T (p.Thr1860Ser)

Gene: NOTCH2 (notch receptor 2; minus strand). Cytogenetic location: 1p12.
Variant type: single nucleotide variant.
Coding change: c.5578A>T on transcript NM_024408.4 (MANE Select); coding-DNA position 5578, A replaced by T.
Protein change: p.Thr1860Ser; replaces threonine 1860 with serine.
Molecular consequence: missense variant.
Genome position (GRCh38, 1-based): chr1:119,919,515, T>A on the plus strand (A>T on the coding strand, the complement: NOTCH2 is on the minus strand). VCF-style: chr1-119919515-T-A. GRCh37 (hg19) VCF-style: chr1-120462138-T-A.
Other names: short protein forms T1860S.
Identifiers: ClinVar variation 4984444 (VCV004984444.1).

ClinVar aggregate classification (germline): Uncertain significance (1 of 4 stars; one submission).

Conditions:
NOTCH2-related disorder. Also called: NOTCH2-related condition.

gnomAD v4.1: 1 of 1,614,002 alleles (0.000062%); highest among the groups gnomAD compares: Non-Finnish European, 0.000085%; no homozygotes.

Submission:

PreventionGenetics, part of Exact Sciences
Classification: Uncertain significance for NOTCH2-related condition. Last evaluated: 2025-06-30. Review status: criteria provided, single submitter. Criteria: ACMG Guidelines, 2015. Collection method: clinical testing. Allele origin: germline.
Comment: The NOTCH2 c.5578A>T variant is predicted to result in the amino acid substitution p.Thr1860Ser. To our knowledge, this variant has not been reported in the literature or in a large population database (gnomAD), indicating this variant is rare. At this time, the clinical significance of this variant is uncertain due to the absence of conclusive functional and genetic evidence.